The following is an entry in ClinVar:

ClinVar aggregate classification (germline): Benign. Review status: criteria provided, multiple submitters, no conflicts (2 of 4 stars). 14 submissions from 13 submitters: Benign (9). 5 of the submissions do not count toward it. Last evaluated 2026-02-04.

Conditions:
Hypertrichotic osteochondrodysplasia Cantu type. Also called: Cantu Syndrome; Cantú Syndrome. Identifiers: Orphanet 1517, MedGen C0795905, MONDO:0009406, OMIM 239850.
Dilated cardiomyopathy 1O (CMD1O). Also called: CARDIOMYOPATHY, DILATED, WITH VENTRICULAR TACHYCARDIA. Identifiers: Orphanet 154, MedGen C1837839, MONDO:0012062, OMIM 608569.

Allele frequency attached by ClinVar (database versions not stated): TOPMed 0.98986; gnomAD 0.98998 and 0.99076; 1000 Genomes Project 30x 0.99032; gnomAD exomes 0.99912.

Submissions (14):

Labcorp Genetics (formerly Invitae), Labcorp
Classification: Benign for Dilated cardiomyopathy 1O. Last evaluated: 2026-02-04. Review status: criteria provided, single submitter. Criteria: Invitae Variant Classification Sherloc (09022015). Collection method: clinical testing. Allele origin: germline.

Blueprint Genetics
Classification: Benign. Last evaluated: 2024-11-27. Review status: criteria provided, single submitter. Criteria: ACMG Guidelines, 2015. Collection method: clinical testing. Allele origin: germline.

Genome-Nilou Lab
Classification: Benign for Hypertrichotic osteochondrodysplasia Cantu type. Last evaluated: 2021-07-14. Review status: criteria provided, single submitter. Criteria: ACMG Guidelines, 2015. Collection method: clinical testing. Allele origin: germline. Affected: no.

Illumina Laboratory Services, Illumina
Classification: Benign for Dilated cardiomyopathy 1O. Last evaluated: 2018-01-13. Review status: criteria provided, single submitter. Criteria: ICSL Variant Classification Criteria 13 December 2019. Collection method: clinical testing. Allele origin: germline.
Comment: This variant was observed in the ICSL laboratory as part of a predisposition screen in an ostensibly healthy population. It had not been previously curated by ICSL or reported in the Human Gene Mutation Database (HGMD: prior to June 1st, 2018), and was therefore a candidate for classification through an automated scoring system. Utilizing variant allele frequency, disease prevalence and penetrance estimates, and inheritance mode, an automated score was calculated to assess if this variant is too frequent to cause the disease. Based on the score and internal cut-off values, a variant classified as benign is not then subjected to further curation. The score for this variant resulted in a classification of benign for this disease.

Illumina Laboratory Services, Illumina
Classification: Benign for Hypertrichotic osteochondrodysplasia Cantu type. Last evaluated: 2018-01-13. Review status: criteria provided, single submitter. Criteria: ICSL Variant Classification Criteria 13 December 2019. Collection method: clinical testing. Allele origin: germline.
Comment: the same text as in the submission from Illumina Laboratory Services, Illumina above.

GeneDx
Classification: Benign. Last evaluated: 2013-12-02. Review status: criteria provided, single submitter. Criteria: GeneDx Variant Classification (06012015). Collection method: clinical testing. Allele origin: germline. Affected: yes.
Comment: This variant is considered likely benign or benign based on one or more of the following criteria: it is a conservative change, it occurs at a poorly conserved position in the protein, it is predicted to be benign by multiple in silico algorithms, and/or has population frequency not consistent with disease.

Laboratory for Molecular Medicine, Mass General Brigham Personalized Medicine
Classification: Benign. Last evaluated: 2011-09-16. Review status: criteria provided, single submitter. Criteria: LMM Criteria. Collection method: clinical testing. Allele origin: germline. Observed: 1,892 variant alleles.

Breakthrough Genomics
Classification: Benign. Review status: criteria provided, single submitter. Criteria: ACMG Guidelines, 2015. Collection method: not provided. Allele origin: germline. Inheritance: Autosomal recessive inheritance. Affected: yes.

PreventionGenetics, part of Exact Sciences
Classification: Benign. Review status: criteria provided, single submitter. Criteria: ACMG Guidelines, 2015. Collection method: clinical testing. Allele origin: germline.

Clinical Genetics DNA and cytogenetics Diagnostics Lab, Erasmus MC, Erasmus Medical Center
Classification: Benign. Review status: no assertion criteria provided. Collection method: clinical testing. Allele origin: germline. Affected: yes. Study: VKGL Data-share Consensus. Not counted in ClinVar's aggregate classification.

Clinical Genetics, Academic Medical Center
Classification: Benign. Review status: no assertion criteria provided. Collection method: clinical testing. Allele origin: germline. Affected: yes. Study: VKGL Data-share Consensus. Not counted in ClinVar's aggregate classification.

Diagnostic Laboratory, Department of Genetics, University Medical Center Groningen
Classification: Benign. Review status: no assertion criteria provided. Collection method: clinical testing. Allele origin: germline. Affected: yes. Study: VKGL Data-share Consensus. Not counted in ClinVar's aggregate classification.

Genome Diagnostics Laboratory, University Medical Center Utrecht
Classification: Benign. Review status: no assertion criteria provided. Collection method: clinical testing. Allele origin: germline. Affected: yes. Study: VKGL Data-share Consensus. Not counted in ClinVar's aggregate classification.

Joint Genome Diagnostic Labs from Nijmegen and Maastricht, Radboudumc and MUMC+
Classification: Benign. Review status: no assertion criteria provided. Collection method: clinical testing. Allele origin: germline. Affected: yes. Study: VKGL Data-share Consensus. Not counted in ClinVar's aggregate classification.

NM_020297.4(ABCC9):c.1164+11=

Gene: ABCC9 (ATP binding cassette subfamily C member 9; minus strand). Cytogenetic location: 12p12.1.
Variant type: single nucleotide variant.
Coding change: c.1164+11= on transcript NM_020297.4 (MANE Select); 11 bases into the intron after coding-DNA position 1164, no change from the reference sequence.
Molecular consequence: intron variant.
Genome position: GRCh38 VCF-style: chr12-21910815-C-C. GRCh37 (hg19) VCF-style: chr12-22063749-T-C.
Other names: c.300+11= (NM_001377274.1); c.1164+11= (NM_005691.4, NM_001377273.1).
Identifiers: ClinVar variation 45384 (VCV000045384.29), dbSNP rs4762720.